The following is an entry in ClinVar:

NM_001148.6(ANK2):c.2T>C (p.Met1Thr)

Gene: ANK2 (ankyrin 2; plus strand). Cytogenetic location: 4q25.
Variant type: single nucleotide variant.
Coding change: c.2T>C on transcript NM_001148.6 (MANE Select); coding-DNA position 2, T replaced by C.
Protein change: p.Met1Thr; changes the start codon (methionine 1).
Molecular consequence: missense variant, initiator codon variant. On other transcripts: intron variant (43).
Genome position (GRCh38, 1-based): chr4:113,049,730, T>C. VCF-style: chr4-113049730-T-C. GRCh37 (hg19) VCF-style: chr4-113970886-T-C.
Other names: c.22-124686T>C (NM_001386150.1, NM_001386149.1, NM_001386153.1 and 33 more transcripts); c.22-101350T>C (NM_001354261.2, NM_001386147.1, NM_001386160.1); c.2T>C, p.Met1Thr (NM_001354225.2, NM_001354228.2, NM_001354232.2 and 10 more transcripts); c.73-124686T>C (NM_001386186.2, NM_001386148.2, NM_001354269.3 and 1 more transcripts); short protein forms M1T.
Identifiers: ClinVar variation 4858251 (VCV004858251.1).

ClinVar aggregate classification (germline): Uncertain significance (1 of 4 stars; one submission).

Conditions:
Cardiovascular phenotype. Identifiers: MedGen CN230736.

Submission:

Ambry Genetics
Classification: Uncertain significance for Cardiovascular phenotype. Last evaluated: 2026-05-13. Review status: criteria provided, single submitter. Criteria: Ambry Variant Classification Scheme 2023. Collection method: clinical testing. Allele origin: germline.
Comment: The p.M1? variant (also known as c.2T>C) is located in coding exon 1 of the ANK2 gene and results from a T to C substitution at nucleotide position 2. This alters the methionine residue at the initiation codon (ATG). Variations that modify the initiation codon (ATG) are expected to result in either loss of translation initiation, N-terminal truncation, or cause a shift in the mRNA reading frame; however, there is an in-frame methionine 1 amino acid from the initiation site, which may result in N-terminal truncation of unknown functional significance. Based on the available evidence, the clinical significance of this variant remains unclear.